The following is an entry in ClinVar:

NM_002700.3(POU4F3):c.509A>G (p.His170Arg)

Genes: POU4F3 (POU class 4 homeobox 3; plus strand), RBM27-POU4F3 (RBM27-POU4F3 readthrough; plus strand). Cytogenetic location: 5q32.
Variant type: single nucleotide variant.
Coding change: c.509A>G on transcript NM_002700.3 (MANE Select); coding-DNA position 509, A replaced by G.
Protein change: p.His170Arg; replaces histidine 170 with arginine.
Molecular consequence: missense variant.
Genome position (GRCh38, 1-based): chr5:146,339,936, A>G. VCF-style: chr5-146339936-A-G. GRCh37 (hg19) VCF-style: chr5-145719499-A-G.
Other names: short protein forms H170R.
Identifiers: ClinVar variation 1523546 (VCV001523546.8), dbSNP rs374993918, ClinGen allele CA3491150.

ClinVar aggregate classification (germline): Uncertain significance (1 of 4 stars; one submission).

Allele frequency attached by ClinVar (database versions not stated): gnomAD exomes 0.00001; TOPMed 0.00001; ExAC 0.00002; ESP Exome Variant Server 0.00008.

Submission:

Labcorp Genetics (formerly Invitae), Labcorp
Classification: Uncertain significance. Last evaluated: 2022-04-08. Review status: criteria provided, single submitter. Criteria: Invitae Variant Classification Sherloc (09022015). Collection method: clinical testing. Allele origin: germline.
Comment: In summary, the available evidence is currently insufficient to determine the role of this variant in disease. Therefore, it has been classified as a Variant of Uncertain Significance. Algorithms developed to predict the effect of missense changes on protein structure and function are either unavailable or do not agree on the potential impact of this missense change (SIFT: "Deleterious"; PolyPhen-2: "Benign"; Align-GVGD: "Class C25"). This variant has not been reported in the literature in individuals affected with POU4F3-related conditions. The frequency data for this variant in the population databases is considered unreliable, as metrics indicate poor data quality at this position in the gnomAD database. This sequence change replaces histidine, which is basic and polar, with arginine, which is basic and polar, at codon 170 of the POU4F3 protein (p.His170Arg).